The following is an entry in ClinVar:

NM_144999.4(LRRC45):c.1237+8C>G

Gene: LRRC45 (leucine rich repeat containing 45; plus strand). Cytogenetic location: 17q25.3.
Variant type: single nucleotide variant.
Coding change: c.1237+8C>G on transcript NM_144999.4 (MANE Select); 8 bases into the intron after coding-DNA position 1237, C replaced by G.
Molecular consequence: intron variant.
Genome position (GRCh38, 1-based): chr17:82,028,516, C>G. VCF-style: chr17-82028516-C-G. GRCh37 (hg19) VCF-style: chr17-79986392-C-G.
Identifiers: ClinVar variation 5001030 (VCV005001030.1).

ClinVar aggregate classification (germline): Likely benign (1 of 4 stars; one submission).

Conditions:
LRRC45-related disorder. Also called: LRRC45-related condition.

Submission:

PreventionGenetics, part of Exact Sciences
Classification: Likely benign for LRRC45-related condition. Last evaluated: 2024-11-07. Review status: criteria provided, single submitter. Criteria: ACMG Guidelines, 2015. Collection method: clinical testing. Allele origin: germline.
Comment: This variant is classified as likely benign based on ACMG/AMP sequence variant interpretation guidelines (Richards et al. 2015 PMID: 25741868, with internal and published modifications).